The following is an entry in ClinVar:

ClinVar aggregate classification (germline): Uncertain significance. Review status: criteria provided, multiple submitters, no conflicts (2 of 4 stars). 2 submissions from 2 submitters: Uncertain significance (2). Last evaluated 2025-12-09.

Conditions:
Inborn genetic diseases. Identifiers: MedGen C0950123, MeSH D030342.
Combined oxidative phosphorylation defect type 27. Also called: Combined oxidative phosphorylation deficiency 27. Identifiers: Orphanet 477774, MedGen C5567608, MONDO:0014728, OMIM 616672.

gnomAD v4.1: 5 of 1,589,282 alleles (0.00031%); highest among the groups gnomAD compares: South Asian, 0.0023%; no homozygotes.

Submissions (2):

Ambry Genetics
Classification: Uncertain significance for Inborn genetic diseases. Last evaluated: 2025-12-09. Review status: criteria provided, single submitter. Criteria: Ambry Variant Classification Scheme 2023. Collection method: clinical testing. Allele origin: germline.

Labcorp Genetics (formerly Invitae), Labcorp
Classification: Uncertain significance for Combined oxidative phosphorylation defect type 27. Last evaluated: 2023-10-13. Review status: criteria provided, single submitter. Criteria: Invitae Variant Classification Sherloc (09022015). Collection method: clinical testing. Allele origin: germline.
Comment: This sequence change replaces aspartic acid, which is acidic and polar, with asparagine, which is neutral and polar, at codon 510 of the CARS2 protein (p.Asp510Asn). This variant is present in population databases (no rsID available, gnomAD 0.007%). This variant has not been reported in the literature in individuals affected with CARS2-related conditions. ClinVar contains an entry for this variant (Variation ID: 1044151). An algorithm developed to predict the effect of missense changes on protein structure and function (PolyPhen-2) suggests that this variant is likely to be tolerated. In summary, the available evidence is currently insufficient to determine the role of this variant in disease. Therefore, it has been classified as a Variant of Uncertain Significance.

NM_024537.4(CARS2):c.1528G>A (p.Asp510Asn)

Gene: CARS2 (cysteinyl-tRNA synthetase 2, mitochondrial; minus strand). Cytogenetic location: 13q34.
Variant type: single nucleotide variant.
Coding change: c.1528G>A on transcript NM_024537.4 (MANE Select); coding-DNA position 1528, G replaced by A.
Protein change: p.Asp510Asn; replaces aspartic acid 510 with asparagine.
Molecular consequence: missense variant. On other transcripts: non-coding transcript variant (2).
Genome position (GRCh38, 1-based): chr13:110,642,410, C>T on the plus strand (G>A on the coding strand, the complement: CARS2 is on the minus strand). VCF-style: chr13-110642410-C-T. GRCh37 (hg19) VCF-style: chr13-111294757-C-T.
Other names: c.742G>A, p.Asp248Asn (NM_001352252.2); c.1528G>A (NM_024537.2); short protein forms D248N, D510N.
Identifiers: ClinVar variation 1044151 (VCV001044151.7), dbSNP rs1195458572, ClinGen allele CA388740309.